The following is an entry in ClinVar:

ClinVar aggregate classification (germline): Likely benign (0 of 4 stars; one submission).

Conditions:
PFKL-related disorder. Also called: PFKL-related condition.

Allele frequency attached by ClinVar (database versions not stated): 1000 Genomes Project 0.00060; 1000 Genomes Project 30x 0.00062; ExAC 0.00111; gnomAD 0.00142; TOPMed 0.00143; gnomAD exomes 0.00202; ESP Exome Variant Server 0.00208.
gnomAD v4.1: 3,220 of 1,612,992 alleles (0.2%); highest among the groups gnomAD compares: Non-Finnish European, 0.25%; 4 homozygotes.

Submission:

PreventionGenetics, part of Exact Sciences
Classification: Likely benign for PFKL-related condition. Last evaluated: 2022-07-20. Review status: no assertion criteria provided. Collection method: clinical testing. Allele origin: germline.
Comment: This variant is classified as likely benign based on ACMG/AMP sequence variant interpretation guidelines (Richards et al. 2015 PMID: 25741868, with internal and published modifications).

NM_002626.6(PFKL):c.2115C>G (p.Asp705Glu)

Gene: PFKL (phosphofructokinase, liver type; plus strand). Cytogenetic location: 21q22.3.
Variant type: single nucleotide variant.
Coding change: c.2115C>G on transcript NM_002626.6 (MANE Select); coding-DNA position 2115, C replaced by G.
Protein change: p.Asp705Glu; replaces aspartic acid 705 with glutamic acid.
Molecular consequence: missense variant.
Genome position (GRCh38, 1-based): chr21:44,326,184, C>G. VCF-style: chr21-44326184-C-G. GRCh37 (hg19) VCF-style: chr21-45746067-C-G.
Other names: c.2265C>G, p.Asp755Glu (NM_001002021.3); short protein forms D705E, D755E.
Identifiers: ClinVar variation 3045588 (VCV003045588.2), dbSNP rs144669255, ClinGen allele CA10053340.
Genomic context (GRCh38, chr21:44,326,184, plus strand): 5'-CACCATGGAGGGCTGCCACGTGCCTCTGTTTGCAGGACGGGTGTTCGCCAATGCCCCAGA[C>G]TCGGCCTGCGTGATCGGCCTGAAGAAGAAGGCGGTGGCCTTCAGCCCCGTCACTGAGCTC-3'
Protein context (NP_002617.3, residues 695-715): RKGRVFANAP[Asp705Glu]SACVIGLKKK